The following is an entry in ClinVar:

ClinVar aggregate classification (germline): Likely benign. Review status: criteria provided, multiple submitters, no conflicts (2 of 4 stars). 4 submissions from 4 submitters: Likely benign (4). Last evaluated 2026-01-26.

Conditions:
Cardiomyopathy (CMYO). Also called: Cardiomyopathies. Identifiers: Orphanet 167848, MedGen C0878544, MONDO:0004994, HP:0001638. Inheritance: Various modes of inheritance.
Arrhythmogenic cardiomyopathy with wooly hair and keratoderma. Also called: PALMOPLANTAR KERATODERMA WITH LEFT VENTRICULAR CARDIOMYOPATHY AND WOOLLY HAIR; Carvajal syndrome; Dilated cardiomyopathy with woolly hair and keratoderma; Arrhythmogenic cardiomyopathy with woolly hair and keratoderma. Identifiers: Orphanet 65282, MedGen C1854063, MONDO:0011581, OMIM 605676.
Arrhythmogenic right ventricular dysplasia 8 (ARVD8). Also called: Arrhythmogenic Right Ventricular Dysplasia/Cardiomyopathy 8; ARRHYTHMOGENIC RIGHT VENTRICULAR DYSPLASIA, FAMILIAL, 8; ARRHYTHMOGENIC RIGHT VENTRICULAR CARDIOMYOPATHY 8. Identifiers: MedGen C1843896, MONDO:0011831, OMIM 607450.
Cardiovascular phenotype. Identifiers: MedGen CN230736.

gnomAD v4.1: 1 of 1,613,290 alleles (0.000062%); highest among the groups gnomAD compares: Non-Finnish European, 0.000085%; no homozygotes.

Submissions (4):

Labcorp Genetics (formerly Invitae), Labcorp
Classification: Likely benign for Arrhythmogenic cardiomyopathy with wooly hair and keratoderma; Arrhythmogenic right ventricular dysplasia 8. Last evaluated: 2026-01-26. Review status: criteria provided, single submitter. Criteria: Invitae Variant Classification Sherloc (09022015). Collection method: clinical testing. Allele origin: germline.

All of Us Research Program, National Institutes of Health
Classification: Likely benign for Arrhythmogenic cardiomyopathy with wooly hair and keratoderma. Last evaluated: 2023-09-04. Review status: criteria provided, single submitter. Criteria: ACMG Guidelines, 2015. Collection method: clinical testing. Allele origin: germline. Inheritance: Autosomal dominant inheritance. Observed: 3 variant alleles, 3 heterozygotes.
Comment: This study involves interpretation of variants in research participants for the purpose of population health screening. Participant phenotype was not available at the time of variant classification. Additional details can be found in publication PMID: 35346344, PMCID: PMC8962531

Ambry Genetics
Classification: Likely benign for Cardiovascular phenotype. Last evaluated: 2022-09-19. Review status: criteria provided, single submitter. Criteria: Ambry Variant Classification Scheme 2023. Collection method: clinical testing. Allele origin: germline.

Color Diagnostics, LLC DBA Color Health
Classification: Likely benign for Cardiomyopathy. Last evaluated: 2018-11-22. Review status: criteria provided, single submitter. Criteria: ACMG Guidelines, 2015. Collection method: clinical testing. Allele origin: germline.

NM_004415.4(DSP):c.5223G>C (p.Ala1741=)

Gene: DSP (desmoplakin; plus strand). Cytogenetic location: 6p24.3.
Variant type: single nucleotide variant.
Coding change: c.5223G>C on transcript NM_004415.4 (MANE Select); coding-DNA position 5223, G replaced by C.
Protein change: p.Ala1741=; no amino-acid change (alanine 1741 retained).
Molecular consequence: synonymous variant. On other transcripts: intron variant (2).
Genome position (GRCh38, 1-based): chr6:7,581,413, G>C. VCF-style: chr6-7581413-G-C. GRCh37 (hg19) VCF-style: chr6-7581646-G-C.
Other names: c.4050+1173G>C (NM_001319034.2); c.3583-1229G>C (NM_001008844.3); c.5223G>C (LRG_423t1).
Identifiers: ClinVar variation 534318 (VCV000534318.14), dbSNP rs201984474, ClinGen allele CA044353.